The following is an entry in ClinVar:

NM_016222.4(DDX41):c.1395C>T (p.Gly465=)

Gene: DDX41 (DEAD-box helicase 41; minus strand). Cytogenetic location: 5q35.3.
Variant type: single nucleotide variant.
Coding change: c.1395C>T on transcript NM_016222.4 (MANE Select); coding-DNA position 1395, C replaced by T.
Protein change: p.Gly465=; no amino-acid change (glycine 465 retained).
Molecular consequence: synonymous variant.
Genome position (GRCh38, 1-based): chr5:177,512,784, G>A on the plus strand (C>T on the coding strand, the complement: DDX41 is on the minus strand). VCF-style: chr5-177512784-G-A. GRCh37 (hg19) VCF-style: chr5-176939785-G-A.
Other names: c.1017C>T, p.Gly339= (NM_001321732.2, NM_001321830.2).
Identifiers: ClinVar variation 2446598 (VCV002446598.8), dbSNP rs766760626, ClinGen allele CA132889884.

ClinVar aggregate classification (germline): Uncertain significance. Review status: criteria provided, multiple submitters, no conflicts (2 of 4 stars). 3 submissions from 3 submitters: Uncertain significance (3). Last evaluated 2024-12-20.

Conditions:
Inborn genetic diseases. Identifiers: MedGen C0950123, MeSH D030342.

Allele frequency attached by ClinVar (database versions not stated): gnomAD 0.00002; gnomAD exomes 0.00002; TOPMed 0.00002.
gnomAD v4.1: 33 of 1,613,970 alleles (0.002%); highest among the groups gnomAD compares: Non-Finnish European, 0.0028%; no homozygotes.

Submissions (3):

Ambry Genetics
Classification: Uncertain significance for Inborn genetic diseases. Last evaluated: 2024-12-20. Review status: criteria provided, single submitter. Criteria: Ambry Variant Classification Scheme 2023. Collection method: clinical testing. Allele origin: germline.
Comment: The c.1395C>T variant (also known as p.G465G), located in coding exon 13 of the DDX41 gene, results from a C to T substitution at nucleotide position 1395. This nucleotide substitution does not change the glycine at codon 465. This nucleotide position is well conserved in available vertebrate species. In silico splice site analysis predicts that this alteration will result in the creation or strengthening of a novel splice donor site. RNA studies have demonstrated that this alteration results in a transcript predicted to lead to a protein with an in-frame deletion of two amino acid(s); however, the exact functional impact of the deleted amino acid(s) is unknown at this time (Ambry internal data). Based on the available evidence, the clinical significance of this variant remains unclear.

GeneDx
Classification: Uncertain significance. Last evaluated: 2024-05-08. Review status: criteria provided, single submitter. Criteria: GeneDx Variant Classification Process June 2021. Collection method: clinical testing. Allele origin: germline. Affected: yes.
Comment: Not observed at significant frequency in large population cohorts (gnomAD); In silico analysis supports a deleterious effect on splicing; Has not been previously published as pathogenic or benign to our knowledge

Labcorp Genetics (formerly Invitae), Labcorp
Classification: Uncertain significance. Last evaluated: 2023-04-11. Review status: criteria provided, single submitter. Criteria: Invitae Variant Classification Sherloc (09022015). Collection method: clinical testing. Allele origin: germline.
Comment: In summary, the available evidence is currently insufficient to determine the role of this variant in disease. Therefore, it has been classified as a Variant of Uncertain Significance. Algorithms developed to predict the effect of sequence changes on RNA splicing suggest that this variant may create or strengthen a splice site. This variant has not been reported in the literature in individuals affected with DDX41-related conditions. This variant is present in population databases (rs766760626, gnomAD 0.002%). This sequence change affects codon 465 of the DDX41 mRNA. It is a 'silent' change, meaning that it does not change the encoded amino acid sequence of the DDX41 protein.